The following is an entry in ClinVar:

ClinVar aggregate classification (germline): Benign/Likely benign. Review status: criteria provided, multiple submitters, no conflicts (2 of 4 stars). 5 submissions from 5 submitters: Benign (1); Likely benign (4). Last evaluated 2025-01-14.

Conditions:
Familial cancer of breast. Also called: BREAST CANCER, FAMILIAL; Hereditary breast cancer; hereditary breast carcinoma. Identifiers: Orphanet 227535, MedGen C0346153, MONDO:0016419, OMIM 114480. Disease mechanism: loss of function.
Breast-ovarian cancer, familial, susceptibility to, 5 (BROVCA5). Identifiers: MedGen C5830615, MONDO:0957530, OMIM 620442.
Hereditary cancer-predisposing syndrome. Also called: Tumor predisposition; Hereditary Cancer Syndrome; Neoplastic Syndromes, Hereditary; Hereditary neoplastic syndrome. Identifiers: Orphanet 140162, MedGen C0027672, MeSH D009386, MONDO:0015356.

Allele frequency attached by ClinVar (database versions not stated): gnomAD exomes below 0.00001.
gnomAD v4.1: 1 of 1,614,120 alleles (0.000062%); highest among the groups gnomAD compares: East Asian, 0.0022%; no homozygotes.

Submissions (5):

Myriad Genetics, Inc.
Classification: Benign for Familial cancer of breast. Last evaluated: 2025-01-14. Review status: criteria provided, single submitter. Criteria: Myriad Autosomal Dominant, Autosomal Recessive and X-Linked Classification Criteria (2023). Collection method: clinical testing. Allele origin: unknown.
Comment: This variant is considered benign. This variant is a silent/synonymous amino acid change and it is not expected to impact splicing.

Labcorp Genetics (formerly Invitae), Labcorp
Classification: Likely benign for Familial cancer of breast. Last evaluated: 2024-10-12. Review status: criteria provided, single submitter. Criteria: Invitae Variant Classification Sherloc (09022015). Collection method: clinical testing. Allele origin: germline.

Department of Pathology and Laboratory Medicine, Sinai Health System
Classification: Likely benign for Breast-ovarian cancer, familial, susceptibility to, 5. Last evaluated: 2023-04-14. Review status: criteria provided, single submitter. Criteria: ACMG Guidelines, 2015. Collection method: clinical testing. Allele origin: germline. Affected: yes.

Ambry Genetics
Classification: Likely benign for Hereditary cancer-predisposing syndrome. Last evaluated: 2023-02-28. Review status: criteria provided, single submitter. Criteria: Ambry Variant Classification Scheme 2023. Collection method: clinical testing. Allele origin: germline.

Color Diagnostics, LLC DBA Color Health
Classification: Likely benign for Hereditary cancer-predisposing syndrome. Last evaluated: 2017-12-04. Review status: criteria provided, single submitter. Criteria: ACMG Guidelines, 2015. Collection method: clinical testing. Allele origin: germline.

NM_024675.4(PALB2):c.1911C>T (p.Pro637=)

Gene: PALB2 (partner and localizer of BRCA2; minus strand). Cytogenetic location: 16p12.2.
Variant type: single nucleotide variant.
Coding change: c.1911C>T on transcript NM_024675.4 (MANE Select); coding-DNA position 1911, C replaced by T.
Protein change: p.Pro637=; no amino-acid change (proline 637 retained).
Molecular consequence: synonymous variant.
Genome position (GRCh38, 1-based): chr16:23,630,243, G>A on the plus strand (C>T on the coding strand, the complement: PALB2 is on the minus strand). VCF-style: chr16-23630243-G-A. GRCh37 (hg19) VCF-style: chr16-23641564-G-A.
Identifiers: ClinVar variation 627829 (VCV000627829.16), dbSNP rs1567218530, ClinGen allele CA494461175.